The following is an entry in ClinVar:

NM_001257180.2(SLC20A2):c.*263A>C

Gene: SLC20A2 (solute carrier family 20 member 2; minus strand). Cytogenetic location: 8p11.21.
Variant type: single nucleotide variant.
Coding change: c.*263A>C on transcript NM_001257180.2 (MANE Select); 263 bases downstream of the stop codon, A replaced by C.
Molecular consequence: 3 prime UTR variant.
Genome position (GRCh38, 1-based): chr8:42,417,540, T>G on the plus strand (A>C on the coding strand, the complement: SLC20A2 is on the minus strand). VCF-style: chr8-42417540-T-G. GRCh37 (hg19) VCF-style: chr8-42275058-T-G.
Other names: c.*263A>C (NM_001257181.2, NM_006749.5).
Identifiers: ClinVar variation 363062 (VCV000363062.5), dbSNP rs145543019, ClinGen allele CA10631086.

ClinVar aggregate classification (germline): Benign (1 of 4 stars; one submission).

Conditions:
Idiopathic basal ganglia calcification 1 (PFBC1A). Also called: Familial Idiopathic Basal Ganglia Calcification 2; Familial Idiopathic Basal Ganglia Calcification 3; Primary Familial Brain Calcification; PRIMARY FAMILIAL BRAIN CALCIFICATION 1A, AUTOSOMAL DOMINANT; Fahr's syndrome; Cerebral calcification nonarteriosclerotic idiopathic adult-onset. Identifiers: Orphanet 1980, MedGen C4551624, MONDO:0024538, OMIM 213600.

Allele frequency attached by ClinVar (database versions not stated): gnomAD 0.00402 and 0.00405; 1000 Genomes Project 0.00260; TOPMed 0.00367; gnomAD exomes 0.00562.
gnomAD v4.1: 1,259 of 268,956 alleles (0.47%); highest among the groups gnomAD compares: South Asian, 0.95%; 9 homozygotes.

Submission:

Illumina Laboratory Services, Illumina
Classification: Benign for Idiopathic basal ganglia calcification 1. Last evaluated: 2018-01-12. Review status: criteria provided, single submitter. Criteria: ICSL Variant Classification Criteria 13 December 2019. Collection method: clinical testing. Allele origin: germline.
Comment: This variant was observed in the ICSL laboratory as part of a predisposition screen in an ostensibly healthy population. It had not been previously curated by ICSL or reported in the Human Gene Mutation Database (HGMD: prior to June 1st, 2018), and was therefore a candidate for classification through an automated scoring system. Utilizing variant allele frequency, disease prevalence and penetrance estimates, and inheritance mode, an automated score was calculated to assess if this variant is too frequent to cause the disease. Based on the score and internal cut-off values, a variant classified as benign is not then subjected to further curation. The score for this variant resulted in a classification of benign for this disease.